The following is an entry in ClinVar:

ClinVar aggregate classification (germline): Uncertain significance. Review status: criteria provided, multiple submitters, no conflicts (2 of 4 stars). 2 submissions from 2 submitters: Uncertain significance (2). Last evaluated 2025-11-12.

Conditions:
Bloom syndrome (BLM). Also called: Bloom-Torre-Machacek syndrome. Identifiers: Orphanet 125, MedGen C0005859, MONDO:0008876, OMIM 210900.
Hereditary cancer-predisposing syndrome. Also called: Hereditary Cancer Syndrome; Neoplastic Syndromes, Hereditary; Hereditary neoplastic syndrome; Tumor predisposition. Identifiers: Orphanet 140162, MedGen C0027672, MeSH D009386, MONDO:0015356.

Submissions (2):

Ambry Genetics
Classification: Uncertain significance for Hereditary cancer-predisposing syndrome. Last evaluated: 2025-11-12. Review status: criteria provided, single submitter. Criteria: Ambry Variant Classification Scheme 2023. Collection method: clinical testing. Allele origin: germline.
Comment: The p.K933E variant (also known as c.2797A>G), located in coding exon 13 of the BLM gene, results from an A to G substitution at nucleotide position 2797. The lysine at codon 933 is replaced by glutamic acid, an amino acid with similar properties. This amino acid position is conserved. In addition, the in silico prediction for this alteration is inconclusive. Based on the available evidence, the clinical significance of this variant remains unclear.

Labcorp Genetics (formerly Invitae), Labcorp
Classification: Uncertain significance for Bloom syndrome. Last evaluated: 2021-12-23. Review status: criteria provided, single submitter. Criteria: Invitae Variant Classification Sherloc (09022015). Collection method: clinical testing. Allele origin: germline.
Comment: This sequence change replaces lysine, which is basic and polar, with glutamic acid, which is acidic and polar, at codon 933 of the BLM protein (p.Lys933Glu). This variant is not present in population databases (gnomAD no frequency). This variant has not been reported in the literature in individuals affected with BLM-related conditions. Algorithms developed to predict the effect of missense changes on protein structure and function are either unavailable or do not agree on the potential impact of this missense change (SIFT: "Tolerated"; PolyPhen-2: "Probably Damaging"; Align-GVGD: "Class C0"). In summary, the available evidence is currently insufficient to determine the role of this variant in disease. Therefore, it has been classified as a Variant of Uncertain Significance.

NM_000057.4(BLM):c.2797A>G (p.Lys933Glu)

Gene: BLM (BLM RecQ like helicase; plus strand). Cytogenetic location: 15q26.1.
Variant type: single nucleotide variant.
Coding change: c.2797A>G on transcript NM_000057.4 (MANE Select); coding-DNA position 2797, A replaced by G.
Protein change: p.Lys933Glu; replaces lysine 933 with glutamic acid.
Molecular consequence: missense variant.
Genome position (GRCh38, 1-based): chr15:90,785,055, A>G. VCF-style: chr15-90785055-A-G. GRCh37 (hg19) VCF-style: chr15-91328285-A-G.
Other names: c.2797A>G, p.Lys933Glu (NM_001287246.2, NM_001287247.2); c.1672A>G, p.Lys558Glu (NM_001287248.2); short protein forms K933E, K558E.
Identifiers: ClinVar variation 2014391 (VCV002014391.2), dbSNP rs2505502176, ClinGen allele CA393846137.